The following is an entry in ClinVar:

NM_001174096.2(ZEB1):c.948T>C (p.Ser316=)

Gene: ZEB1 (zinc finger E-box binding homeobox 1; plus strand). Cytogenetic location: 10p11.22.
Variant type: single nucleotide variant.
Coding change: c.948T>C on transcript NM_001174096.2 (MANE Select); coding-DNA position 948, T replaced by C.
Protein change: p.Ser316=; no amino-acid change (serine 316 retained).
Molecular consequence: synonymous variant.
Genome position (GRCh38, 1-based): chr10:31,520,280, T>C. VCF-style: chr10-31520280-T-C. GRCh37 (hg19) VCF-style: chr10-31809208-T-C.
Other names: c.897T>C, p.Ser299= (NM_001128128.3); c.885T>C, p.Ser295= (NM_001174093.2); c.894T>C, p.Ser298= (NM_001174094.2); c.744T>C, p.Ser248= (NM_001174095.2); c.291T>C, p.Ser97= (NM_001323638.2, NM_001323641.2, NM_001323642.2 and 27 more transcripts); c.723T>C, p.Ser241= (NM_001323674.2); c.681T>C, p.Ser227= (NM_001323675.2); c.906T>C, p.Ser302= (NM_001323676.2); and 3 more.
Identifiers: ClinVar variation 3029928 (VCV003029928.2), dbSNP rs567821310, ClinGen allele CA5461581.
Genomic context (GRCh38, chr10:31,520,280, plus strand): 5'-GATACCTGTGAATGGGCGACCAAGAACAGGACTCAAGACATCTCAGTGTTCTTCACCGTC[T>C]CTTTCAGCATCACCAGGCAGTCCCACACGACCACAGATACGGCAAAAGATAGAGAATAAA-3'
Protein context (NP_001167567.1, residues 306-326): GLKTSQCSSP[Ser316=]LSASPGSPTR

ClinVar aggregate classification (germline): Likely benign (0 of 4 stars; one submission).

Conditions:
ZEB1-related disorder. Also called: ZEB1-related condition.

Allele frequency attached by ClinVar (database versions not stated): TOPMed below 0.00001; gnomAD 0.00001; gnomAD exomes 0.00002; ExAC 0.00006; 1000 Genomes Project 30x 0.00016; 1000 Genomes Project 0.00020.
gnomAD v4.1: 26 of 1,613,928 alleles (0.0016%); highest among the groups gnomAD compares: South Asian, 0.029%; no homozygotes.

Submission:

PreventionGenetics, part of Exact Sciences
Classification: Likely benign for ZEB1-related condition. Last evaluated: 2023-12-05. Review status: no assertion criteria provided. Collection method: clinical testing. Allele origin: germline.
Comment: This variant is classified as likely benign based on ACMG/AMP sequence variant interpretation guidelines (Richards et al. 2015 PMID: 25741868, with internal and published modifications).